The following is an entry in ClinVar:

NM_004446.3(EPRS1):c.3830C>T (p.Thr1277Ile)

Gene: EPRS1 (glutamyl-prolyl-tRNA synthetase 1; minus strand). Cytogenetic location: 1q41.
Variant type: single nucleotide variant.
Coding change: c.3830C>T on transcript NM_004446.3 (MANE Select); coding-DNA position 3830, C replaced by T.
Protein change: p.Thr1277Ile; replaces threonine 1277 with isoleucine.
Molecular consequence: missense variant.
Genome position (GRCh38, 1-based): chr1:219,979,497, G>A on the plus strand (C>T on the coding strand, the complement: EPRS1 is on the minus strand). VCF-style: chr1-219979497-G-A. GRCh37 (hg19) VCF-style: chr1-220152839-G-A.
Other names: short protein forms T1277I.
Identifiers: ClinVar variation 1934132 (VCV001934132.5), dbSNP rs1464122228, ClinGen allele CA344632065.

ClinVar aggregate classification (germline): Uncertain significance (1 of 4 stars; one submission).

Allele frequency attached by ClinVar (database versions not stated): TOPMed below 0.00001; gnomAD exomes 0.00001.
gnomAD v4.1: 8 of 1,614,038 alleles (0.0005%); highest among the groups gnomAD compares: South Asian, 0.0077%; no homozygotes.

Submission:

Labcorp Genetics (formerly Invitae), Labcorp
Classification: Uncertain significance. Last evaluated: 2023-06-29. Review status: criteria provided, single submitter. Criteria: Invitae Variant Classification Sherloc (09022015). Collection method: clinical testing. Allele origin: germline.
Comment: This sequence change replaces threonine, which is neutral and polar, with isoleucine, which is neutral and non-polar, at codon 1277 of the EPRS protein (p.Thr1277Ile). This variant is present in population databases (no rsID available, gnomAD 0.006%). This variant has not been reported in the literature in individuals affected with EPRS-related conditions. ClinVar contains an entry for this variant (Variation ID: 1934132). An algorithm developed to predict the effect of missense changes on protein structure and function (PolyPhen-2) suggests that this variant is likely to be disruptive. In summary, the available evidence is currently insufficient to determine the role of this variant in disease. Therefore, it has been classified as a Variant of Uncertain Significance.